The following is an entry in ClinVar:

ClinVar aggregate classification (germline): Conflicting classifications of pathogenicity. Review status: criteria provided, conflicting classifications (1 of 4 stars). 9 submissions from 9 submitters: Pathogenic (3); Likely pathogenic (5); Uncertain significance (1). Last evaluated 2026-03-30.

Conditions:
TNNT2-related disorder. Also called: TNNT2-related condition.
Hypertrophic cardiomyopathy 2. Also called: TNNT2-Related Familial Hypertrophic Cardiomyopathy. Identifiers: MedGen C1861864, MONDO:0007266, OMIM 115195.
Dilated cardiomyopathy 1D. Identifiers: Orphanet 154, Orphanet 54260, MedGen C1832243, MONDO:0011095, OMIM 601494.
Cardiovascular phenotype. Identifiers: MedGen CN230736.
Cardiomyopathy (CMYO). Also called: Cardiomyopathies. Identifiers: Orphanet 167848, MedGen C0878544, MONDO:0004994, HP:0001638. Inheritance: Various modes of inheritance.
Cardiomyopathy, familial restrictive, 3. Identifiers: Orphanet 75249, MedGen C2676271, MONDO:0012900, OMIM 612422.
Hypertrophic cardiomyopathy 1 (CMH1). Also called: Familial hypertrophic cardiomyopathy 1; MYH7-Related Familial Hypertrophic Cardiomyopathy. Identifiers: MedGen C3495498, MONDO:0008647, OMIM 192600.

Submissions (9):

Molecular Diagnostic Laboratory for Inherited Cardiovascular Disease, Montreal Heart Institute
Classification: Pathogenic for Cardiovascular phenotype. Last evaluated: 2026-03-30. Review status: criteria provided, single submitter. Criteria: ACMG Guidelines, 2015. Collection method: clinical testing. Allele origin: germline. Affected: yes.
Comment: PS4, PM2, PM5, PP1, PP2

Labcorp Genetics (formerly Invitae), Labcorp
Classification: Pathogenic for Cardiomyopathy, familial restrictive, 3; Hypertrophic cardiomyopathy 2; Dilated cardiomyopathy 1D. Last evaluated: 2026-01-14. Review status: criteria provided, single submitter. Criteria: Invitae Variant Classification Sherloc (09022015). Collection method: clinical testing. Allele origin: germline.
Comment: This sequence change replaces arginine, which is basic and polar, with proline, which is neutral and non-polar, at codon 278 of the TNNT2 protein (p.Arg278Pro). This variant is not present in population databases (gnomAD no frequency). This missense change has been observed in individuals with hypertrophic cardiomyopathy (PMID: 12974739, 15958377, 23283745, 24793961, 27532257). ClinVar contains an entry for this variant (Variation ID: 177635). Invitae Evidence Modeling of protein sequence and biophysical properties (such as structural, functional, and spatial information, amino acid conservation, physicochemical variation, residue mobility, and thermodynamic stability) indicates that this missense variant is not expected to disrupt TNNT2 protein function with a negative predictive value of 80%. Experimental studies have shown that this missense change affects TNNT2 function (PMID: 20057144). This variant disrupts the p.Arg278 amino acid residue in TNNT2. Other variant(s) that disrupt this residue have been observed in individuals with TNNT2-related conditions (PMID: 12974739, 15958377, 23233322, 23283745, 24793961), which suggests that this may be a clinically significant amino acid residue. For these reasons, this variant has been classified as Pathogenic.

GeneDx
Classification: Likely pathogenic. Last evaluated: 2025-10-06. Review status: criteria provided, single submitter. Criteria: GeneDx Variant Classification Process June 2021. Collection method: clinical testing. Allele origin: germline. Affected: yes.
Comment: Not observed at significant frequency in large population cohorts (gnomAD); Functional studies demonstrated that p.(R278P) alters Troponin binding (PMID: 20057144); In silico analysis suggests that this missense variant does not alter protein structure/function; Also known as p.(R285P); This variant is associated with the following publications: (PMID: 15201162, 34087240, 23283745, 24793961, 12860912, 20031601, 15958377, 27532257, 9154300, 25611685, 34621001, 12974739, 37652022, 35534676, 36243179, 20057144)

Ambry Genetics
Classification: Likely pathogenic for Cardiovascular phenotype. Last evaluated: 2025-07-25. Review status: criteria provided, single submitter. Criteria: Ambry Variant Classification Scheme 2023. Collection method: clinical testing. Allele origin: germline.
Comment: The p.R278P variant (also known as c.833G>C), located in coding exon 15 of the TNNT2 gene, results from a G to C substitution at nucleotide position 833. The arginine at codon 278 is replaced by proline, an amino acid with dissimilar properties. This variant (also referred to as p.R285P, c.854G>C and p.R288P, c.863G>C) was identified in one or more individuals with features consistent with TNNT2-related cardiomyopathy and segregated with disease in at least one family (Van Driest SL et al. Circulation, 2003 Jul;108:445-51; Erdmann J et al. Clin Genet, 2003 Oct;64:339-49; Miliou A et al. Heart, 2005 Jul;91:966-7; Zou Y et al. Mol Biol Rep, 2013 Jun;40:3969-76; Alfares AA et al. Genet Med, 2015 Nov;17:880-8; Ross SB et al. Circ Cardiovasc Genet, 2017 Jun;10; Walsh R et al. Genet Med, 2017 Feb;19:192-203; Liu W et al. Clin Chim Acta, 2021 Sep;520:43-52). In an assay testing TNNT2 function, this variant showed a functionally abnormal result (Lassalle MW. Biosci Biotechnol Biochem, 2010 Jan;74:82-91). This amino acid position is not well conserved in available vertebrate species. In addition, this alteration is predicted to be deleterious by in silico analysis. This variant is considered to be rare based on population cohorts in the Genome Aggregation Database (gnomAD). Based on the majority of available evidence to date, this variant is likely to be pathogenic.

Blueprint Genetics
Classification: Pathogenic for TNNT2-related disorders. Last evaluated: 2023-04-21. Review status: criteria provided, single submitter. Criteria: ACMG Guidelines, 2015. Collection method: clinical testing. Allele origin: germline. Affected: yes. Observed: 1 variant allele.

CHEO Genetics Diagnostic Laboratory, Children's Hospital of Eastern Ontario
Classification: Likely pathogenic for Cardiomyopathy. Last evaluated: 2021-10-13. Review status: criteria provided, single submitter. Criteria: ACMG Guidelines, 2015. Collection method: clinical testing. Allele origin: germline.

Human Genome Sequencing Center Clinical Lab, Baylor College of Medicine
Classification: Likely pathogenic for Familial hypertrophic cardiomyopathy 2; Dilated cardiomyopathy 1D. Last evaluated: 2019-08-20. Review status: criteria provided, single submitter. Criteria: ACMG Guidelines, 2015. Collection method: clinical testing. Allele origin: germline.
Comment: This TNNT2 variant results in the replacement of an arginine with a proline amino acid at codon 278. This variant is not present in the gnomAD population database. It has also been observed in several individuals affected with hypertrophic cardiomyopathy (HCM) (PMID: 12974739, 15958377, 23283745, 24793961). In vitro functional studies suggest this variant affects protein binding (PMID: 20057144). In addition, other variants at this same codon (e.g, p.Arg278His) have also been reported in individuals with HCM. This TNNT2 variant is considered likely pathogenic.

Agnes Ginges Centre for Molecular Cardiology, Centenary Institute
Classification: Likely pathogenic for Hypertrophic cardiomyopathy 1. Last evaluated: 2017-03-14. Review status: criteria provided, single submitter. Criteria: Agnes Ginges Centre for Molecular Cardiology criteria (2015). Collection method: research. Allele origin: germline. Inheritance: Autosomal dominant inheritance. Affected: yes.
Comment: The TNNT2(NM_000364.3: c.854G>C; p.Arg285Pro) variant is reported in literature as TNNT2 (NM_001001430.2:c.833G>C Arg278Pro) and has been reported in multiple cases of HCM and was absent from 200 controls collectively (Zou Y, et al., 2012; Millou A, et al., 2005; Van Driest SL, et al., 2003; Erdmann J, et al., 1998; Abchee A & Marian AJ, 1997). The variant has also been reported to segregate with disease (Abchee A & Marian AJ, 1997; Miliou A, et al., 2005). The variant is absent from both the 1000 genomes project and Exome Aggregation Consortium dataset. Interestingly, different rare variants at this position (Arg278Cys and Arg278His) have also been reported in multiple HCM individuals, suggesting that an amino acid substitution at this site may not be tolerated. Computational tools PolyPhen-2 and MutationTaster predict this variant to be "probably damaging" and "disease-causing" respectively, however SIFT predicts this variant to be "tolerated", and no prediction is called by PolyPhen-HCM. A functional study on this variant indicated that the TNNT2 Arg278Pro variant alters protein binding, and that any changes within this region of the protein will affect protein function (Lassalle MW, 2010). In summary, multiple unrelated HCM probands reported with the variant, rarity in general populations and functional studies supportive of a damaging effect on function, we have classified the TNNT2 Arg285Pro variant as "Likely Pathogenic".

Laboratory for Molecular Medicine, Mass General Brigham Personalized Medicine
Classification: Uncertain significance. Last evaluated: 2013-02-13. Review status: criteria provided, single submitter. Criteria: LMM Criteria. Collection method: clinical testing. Allele origin: germline. Observed: 3 variant alleles.
Comment: proposed classification - variant undergoing re-assessment, contact laboratory

Literature cited by the submitters: PubMed 12974739 (cited by 4 submitters); PubMed 15958377 (cited by 4 submitters); PubMed 23283745 (cited by 3 submitters); PubMed 24793961 (cited by Labcorp Genetics (formerly Invitae), Labcorp); PubMed 27532257 (cited by Labcorp Genetics (formerly Invitae), Labcorp and Ambry Genetics); PubMed 20057144 (cited by 4 submitters); PubMed 23233322 (cited by Labcorp Genetics (formerly Invitae), Labcorp); PubMed 12860912 (cited by 3 submitters); PubMed 25611685 (cited by Ambry Genetics and Agnes Ginges Centre for Molecular Cardiology, Centenary Institute); PubMed 28615295 (cited by Ambry Genetics); PubMed 34087240 (cited by Ambry Genetics); PubMed 36351918 (cited by Ambry Genetics); PubMed 9154300 (cited by Agnes Ginges Centre for Molecular Cardiology, Centenary Institute); PubMed 20031601 (cited by Agnes Ginges Centre for Molecular Cardiology, Centenary Institute).

NM_001276345.2(TNNT2):c.863G>C (p.Arg288Pro)

Gene: TNNT2 (troponin T2, cardiac type; minus strand). Cytogenetic location: 1q32.1.
Variant type: single nucleotide variant.
Coding change: c.863G>C on transcript NM_001276345.2 (MANE Select); coding-DNA position 863, G replaced by C.
Protein change: p.Arg288Pro; replaces arginine 288 with proline.
Molecular consequence: missense variant.
Genome position (GRCh38, 1-based): chr1:201,359,244, C>G on the plus strand (G>C on the coding strand, the complement: TNNT2 is on the minus strand). VCF-style: chr1-201359244-C-G. GRCh37 (hg19) VCF-style: chr1-201328372-C-G.
Other names: c.854G>C, p.Arg285Pro (NM_000364.4); c.833G>C, p.Arg278Pro (NM_001001430.3, NM_001276347.2); c.824G>C, p.Arg275Pro (NM_001001431.3); c.815G>C, p.Arg272Pro (NM_001001432.3); c.734G>C, p.Arg245Pro (NM_001276346.2); short protein forms R278P, R285P, R245P, R272P, R288P, R275P.
Identifiers: ClinVar variation 177635 (VCV000177635.27), dbSNP rs397516484, ClinGen allele CA005262.